The following is an entry in ClinVar:

ClinVar aggregate classification (germline): Uncertain significance (1 of 4 stars; one submission).

Conditions:
Parathyroid carcinoma (PRTC). Also called: CDC73-Related Parathyroid Carcinoma; Parathyroid gland carcinoma. Identifiers: Orphanet 143, MedGen C0687150, MONDO:0012004, OMIM 608266, HP:0006780.

Submission:

Labcorp Genetics (formerly Invitae), Labcorp
Classification: Uncertain significance for Parathyroid carcinoma. Last evaluated: 2022-09-01. Review status: criteria provided, single submitter. Criteria: Invitae Variant Classification Sherloc (09022015). Collection method: clinical testing. Allele origin: germline.
Comment: ClinVar contains an entry for this variant (Variation ID: 853217). This sequence change replaces aspartic acid, which is acidic and polar, with tyrosine, which is neutral and polar, at codon 481 of the CDC73 protein (p.Asp481Tyr). This variant is not present in population databases (gnomAD no frequency). This variant has not been reported in the literature in individuals affected with CDC73-related conditions. Algorithms developed to predict the effect of missense changes on protein structure and function are either unavailable or do not agree on the potential impact of this missense change (SIFT: "Deleterious"; PolyPhen-2: "Probably Damaging"; Align-GVGD: "Class C0"). In summary, the available evidence is currently insufficient to determine the role of this variant in disease. Therefore, it has been classified as a Variant of Uncertain Significance.

NM_024529.5(CDC73):c.1441G>T (p.Asp481Tyr)

Gene: CDC73 (cell division cycle 73; plus strand). Cytogenetic location: 1q31.2.
Variant type: single nucleotide variant.
Coding change: c.1441G>T on transcript NM_024529.5 (MANE Select); coding-DNA position 1441, G replaced by T.
Protein change: p.Asp481Tyr; replaces aspartic acid 481 with tyrosine.
Molecular consequence: missense variant.
Genome position (GRCh38, 1-based): chr1:193,249,753, G>T. VCF-style: chr1-193249753-G-T. GRCh37 (hg19) VCF-style: chr1-193218883-G-T.
Other names: short protein forms D481Y.
Identifiers: ClinVar variation 853217 (VCV000853217.10), dbSNP rs1678015613, ClinGen allele CA344078387.